The following is an entry in ClinVar:

NM_001204.7(BMPR2):c.1514T>G (p.Met505Arg)

Gene: BMPR2 (bone morphogenetic protein receptor type 2; plus strand). Cytogenetic location: 2q33.2.
Variant type: single nucleotide variant.
Coding change: c.1514T>G on transcript NM_001204.7 (MANE Select); coding-DNA position 1514, T replaced by G.
Protein change: p.Met505Arg; replaces methionine 505 with arginine.
Molecular consequence: missense variant.
Genome position (GRCh38, 1-based): chr2:202,552,816, T>G. VCF-style: chr2-202552816-T-G. GRCh37 (hg19) VCF-style: chr2-203417539-T-G.
Other names: short protein forms M505R.
Identifiers: ClinVar variation 4824903 (VCV004824903.1).

ClinVar aggregate classification (germline): Uncertain significance (1 of 4 stars; one submission).

Conditions:
Inborn genetic diseases. Identifiers: MedGen C0950123, MeSH D030342.

Submission:

Ambry Genetics
Classification: Uncertain significance for Inborn genetic diseases. Last evaluated: 2026-01-14. Review status: criteria provided, single submitter. Criteria: Ambry Variant Classification Scheme 2023. Collection method: clinical testing. Allele origin: germline.
Comment: The p.M505R variant (also known as c.1514T>G), located in coding exon 11 of the BMPR2 gene, results from a T to G substitution at nucleotide position 1514. The methionine at codon 505 is replaced by arginine, an amino acid with similar properties. This amino acid position is conserved. In addition, this alteration is predicted to be deleterious by in silico analysis. Based on the available evidence, the clinical significance of this variant remains unclear.